The following is an entry in ClinVar:

NM_000051.4(ATM):c.2000G>A (p.Arg667Lys)

Gene: ATM (ATM serine/threonine kinase; plus strand). Cytogenetic location: 11q22.3.
Variant type: single nucleotide variant.
Coding change: c.2000G>A on transcript NM_000051.4 (MANE Select); coding-DNA position 2000, G replaced by A.
Protein change: p.Arg667Lys; replaces arginine 667 with lysine.
Molecular consequence: missense variant.
Genome position (GRCh38, 1-based): chr11:108,253,915, G>A. VCF-style: chr11-108253915-G-A. GRCh37 (hg19) VCF-style: chr11-108124642-G-A.
Other names: c.2000G>A, p.Arg667Lys (NM_001351834.2); short protein forms R667K.
Identifiers: ClinVar variation 2568207 (VCV002568207.5), dbSNP rs2080304396, ClinGen allele CA382537015.

ClinVar aggregate classification (germline): Conflicting classifications of pathogenicity. Review status: criteria provided, conflicting classifications (1 of 4 stars). 3 submissions from 3 submitters: Uncertain significance (2); Likely benign (1). Last evaluated 2025-02-19.

Conditions:
Hereditary cancer-predisposing syndrome. Also called: Neoplastic Syndromes, Hereditary; Hereditary Cancer Syndrome; Tumor predisposition; Hereditary neoplastic syndrome. Identifiers: Orphanet 140162, MedGen C0027672, MeSH D009386, MONDO:0015356.
Ataxia-telangiectasia syndrome (AT). Also called: LOUIS-BAR SYNDROME; ATAXIA-TELANGIECTASIA, COMPLEMENTATION GROUP A; Ataxia-telangiectasia, complementation group D; AT, COMPLEMENTATION GROUP C; Ataxia-telangiectasia, complementation group E; Ataxia-telangiectasia. Identifiers: Orphanet 100, MedGen C0004135, MONDO:0008840, OMIM 208900.

Allele frequency attached by ClinVar (database versions not stated): gnomAD exomes below 0.00001.
gnomAD v4.1: 3 of 1,614,064 alleles (0.00019%); highest among the groups gnomAD compares: South Asian, 0.0011%; no homozygotes.

Submissions (3):

Labcorp Genetics (formerly Invitae), Labcorp
Classification: Uncertain significance for Ataxia-telangiectasia syndrome. Last evaluated: 2025-02-19. Review status: criteria provided, single submitter. Criteria: Invitae Variant Classification Sherloc (09022015). Collection method: clinical testing. Allele origin: germline.
Comment: This sequence change replaces arginine, which is basic and polar, with lysine, which is basic and polar, at codon 667 of the ATM protein (p.Arg667Lys). This variant is not present in population databases (gnomAD no frequency). This variant has not been reported in the literature in individuals affected with ATM-related conditions. ClinVar contains an entry for this variant (Variation ID: 2568207). Invitae Evidence Modeling of protein sequence and biophysical properties (such as structural, functional, and spatial information, amino acid conservation, physicochemical variation, residue mobility, and thermodynamic stability) indicates that this missense variant is not expected to disrupt ATM protein function with a negative predictive value of 95%. In summary, the available evidence is currently insufficient to determine the role of this variant in disease. Therefore, it has been classified as a Variant of Uncertain Significance.

Molecular Diagnostics Laboratory, Catalan Institute of Oncology
Classification: Uncertain significance for Hereditary cancer-predisposing syndrome. Last evaluated: 2025-02-05. Review status: criteria provided, single submitter. Criteria: ClinGen ACMG Specifications ATM V1.1.0. Collection method: clinical testing. Allele origin: germline.
Comment: PM2_Supporting, BP4 c.2000G>A located in exon 13 of the ATM gene, is predicted to result in the substitution of arginine by lysine at codon 667, p.(Arg667Lys). It is not present in the population database gnomAD v2.1.1, non cancer dataset (PM2_supporting). The SpliceAI algorithm predicts no significant impact on splicing and the REVEL meta-predictor score for this variant (0.049) suggests that it does not affect the protein function (BP4). To our knowledge, functional studies have not been reported for this variant. In addition, the variant was also identified in the ClinVar database (1x likely benign) but is not present in LOVD database. Based on currently available information, the variant c.2000G>A is classified as an uncertain significance variant according to ClinGen-ATM Guidelines version v1.1.

Ambry Genetics
Classification: Likely benign for Hereditary cancer-predisposing syndrome. Last evaluated: 2023-04-28. Review status: criteria provided, single submitter. Criteria: Ambry Variant Classification Scheme 2023. Collection method: clinical testing. Allele origin: germline.